The following is an entry in ClinVar:

ClinVar aggregate classification (germline): Conflicting classifications of pathogenicity. Review status: criteria provided, conflicting classifications (1 of 4 stars). 2 submissions from 2 submitters: Uncertain significance (1); Benign (1). Last evaluated 2026-07-21.

Conditions:
NOTCH1-related disorder. Also called: NOTCH1-related condition; NOTCH1-related disorders.
Adams-Oliver syndrome 5 (AOS5). Identifiers: Orphanet 974, MedGen C4014970, MONDO:0014459, OMIM 616028.

Allele frequency attached by ClinVar (database versions not stated): gnomAD exomes 0.00001.
gnomAD v4.1: 16 of 1,613,050 alleles (0.00099%); highest among the groups gnomAD compares: East Asian, 0.0022%; no homozygotes.

Submissions (2):

PreventionGenetics, part of Exact Sciences
Classification: Uncertain significance for NOTCH1-related condition. Last evaluated: 2026-07-21. Review status: criteria provided, single submitter. Criteria: ACMG Guidelines, 2015. Collection method: clinical testing. Allele origin: germline.
Comment: The NOTCH1 c.1951G>A variant is predicted to result in the amino acid substitution p.Asp651Asn. To our knowledge, this variant has not been reported in the literature. This variant is reported in 0.0029% of alleles in individuals of Latino descent in gnomAD. At this time, the clinical significance of this variant is uncertain due to the absence of conclusive functional and genetic evidence.

Labcorp Genetics (formerly Invitae), Labcorp
Classification: Benign for Adams-Oliver syndrome 5. Last evaluated: 2025-12-29. Review status: criteria provided, single submitter. Criteria: Invitae Variant Classification Sherloc (09022015). Collection method: clinical testing. Allele origin: germline.

NM_017617.5(NOTCH1):c.1951G>A (p.Asp651Asn)

Gene: NOTCH1 (notch receptor 1; minus strand). Cytogenetic location: 9q34.3.
Variant type: single nucleotide variant.
Coding change: c.1951G>A on transcript NM_017617.5 (MANE Select); coding-DNA position 1951, G replaced by A.
Protein change: p.Asp651Asn; replaces aspartic acid 651 with asparagine.
Molecular consequence: missense variant.
Genome position (GRCh38, 1-based): chr9:136,515,353, C>T on the plus strand (G>A on the coding strand, the complement: NOTCH1 is on the minus strand). VCF-style: chr9-136515353-C-T. GRCh37 (hg19) VCF-style: chr9-139409805-C-T.
Other names: c.1951G>A (NM_017617.4); short protein forms D651N.
Identifiers: ClinVar variation 1405033 (VCV001405033.7), dbSNP rs1182867386, ClinGen allele CA375559260.